The following is an entry in ClinVar:

NM_014669.5(NUP93):c.2018+167C>T

Gene: NUP93 (nucleoporin 93; plus strand). Cytogenetic location: 16q13.
Variant type: single nucleotide variant.
Coding change: c.2018+167C>T on transcript NM_014669.5 (MANE Select); 167 bases into the intron after coding-DNA position 2018, C replaced by T.
Molecular consequence: intron variant.
Genome position (GRCh38, 1-based): chr16:56,837,893, C>T. VCF-style: chr16-56837893-C-T. GRCh37 (hg19) VCF-style: chr16-56871805-C-T.
Other names: c.1649+167C>T (NM_001242795.2, NM_001242796.2).
Identifiers: ClinVar variation 1707175 (VCV001707175.2), dbSNP rs113575883, ClinGen allele CA14314833.

ClinVar aggregate classification (germline): Likely benign (1 of 4 stars; one submission).

Allele frequency attached by ClinVar (database versions not stated): gnomAD 0.00453; TOPMed 0.00513; 1000 Genomes Project 0.00579; 1000 Genomes Project 30x 0.00609.
gnomAD v4.1: 681 of 152,334 alleles (0.45%); highest among the groups gnomAD compares: African/African-American, 1.6%; 6 homozygotes.

Submission:

GeneDx
Classification: Likely benign. Last evaluated: 2021-02-25. Review status: criteria provided, single submitter. Criteria: GeneDx Variant Classification Process June 2021. Collection method: clinical testing. Allele origin: germline. Affected: yes.
Comment: See Variant Classification Assertion Criteria.